The following is an entry in ClinVar:

ClinVar aggregate classification (germline): Uncertain significance (1 of 4 stars; one submission).

Conditions:
Progressive familial heart block type IB (PFHB1B). Identifiers: Orphanet 871, MedGen C1970298, MONDO:0011474, OMIM 604559.

gnomAD v4.1: 4 of 1,553,214 alleles (0.00026%); highest among the groups gnomAD compares: African/African-American, 0.0054%; no homozygotes.

Submission:

Labcorp Genetics (formerly Invitae), Labcorp
Classification: Uncertain significance for Progressive familial heart block type IB. Last evaluated: 2025-09-22. Review status: criteria provided, single submitter. Criteria: Invitae Variant Classification Sherloc (09022015). Collection method: clinical testing. Allele origin: germline.
Comment: This sequence change replaces serine, which is neutral and polar, with tryptophan, which is neutral and slightly polar, at codon 798 of the TRPM4 protein (p.Ser798Trp). The frequency data for this variant in the population databases is considered unreliable, as metrics indicate poor data quality at this position in the gnomAD database. This variant has not been reported in the literature in individuals affected with TRPM4-related conditions. An algorithm developed to predict the effect of missense changes on protein structure and function (PolyPhen-2) suggests that this variant is likely to be disruptive. In summary, the available evidence is currently insufficient to determine the role of this variant in disease. Therefore, it has been classified as a Variant of Uncertain Significance.

NM_017636.4(TRPM4):c.2393C>G (p.Ser798Trp)

Gene: TRPM4 (transient receptor potential cation channel subfamily M member 4; plus strand). Cytogenetic location: 19q13.33.
Variant type: single nucleotide variant.
Coding change: c.2393C>G on transcript NM_017636.4 (MANE Select); coding-DNA position 2393, C replaced by G.
Protein change: p.Ser798Trp; replaces serine 798 with tryptophan.
Molecular consequence: missense variant. On other transcripts: intron variant (1).
Genome position (GRCh38, 1-based): chr19:49,196,622, C>G. VCF-style: chr19-49196622-C-G. GRCh37 (hg19) VCF-style: chr19-49699879-C-G.
Other names: c.2048C>G, p.Ser683Trp (NM_001321281.2); c.785C>G, p.Ser262Trp (NM_001321282.2); c.1871C>G, p.Ser624Trp (NM_001321283.2); c.1331C>G, p.Ser444Trp (NM_001321285.2); c.2211-3678C>G (NM_001195227.2); short protein forms S624W, S262W, S444W, S683W, S798W.
Identifiers: ClinVar variation 4751846 (VCV004751846.1).
Genomic context (GRCh38, chr19:49,196,622, plus strand): 5'-CGCCGGTGACCATCTTCATGGGCAACGTGGTCAGCTACCTGCTGTTCCTGCTGCTTTTCT[C>G]GCGGGTGCTGCTCGTGGATTTCCAGCCGGCGCCGCCCGGCTCCCTGGAGCTGCTGCTCTA-3'
Protein context (NP_060106.2, residues 788-808): VSYLLFLLLF[Ser798Trp]RVLLVDFQPA